The following is an entry in ClinVar:

ClinVar aggregate classification (germline): Uncertain significance (1 of 4 stars; one submission).

Conditions:
Nephrotic syndrome, type 19. Identifiers: MedGen C4748552, MONDO:0032582, OMIM 618178.

gnomAD v4.1: 1 of 1,613,046 alleles (0.000062%); highest among the groups gnomAD compares: Non-Finnish European, 0.000085%; no homozygotes.

Submission:

Pittsburgh Clinical Genomics Laboratory, University of Pittsburgh Medical Center
Classification: Uncertain significance for Nephrotic syndrome, type 19. Last evaluated: 2024-06-26. Review status: criteria provided, single submitter. Criteria: ACMG Guidelines, 2015. Collection method: clinical testing. Allele origin: germline. Inheritance: Autosomal recessive inheritance. Affected: yes.
Comment: This sequence variant is a single nucleotide substitution (G>C) at position 3891 of the coding sequence of the NUP160 gene that results in a lysine to asparagine amino acid change at residue 1297 of the nucleoporin 160 protein. This variant is absent from ClinVar and has not been observed in individuals affected by a NUP160-related disorder in the published literature, to our knowledge. This variant is present in 1 of 1613046 alleles (0.00006%) in the gnomAD v4.1.0 population dataset. Bioinformatic tools are inconclusive if this amino acid change will be damaging or tolerated, and the Lys1297 residue at this position is moderately conserved across the vertebrate species examined. Studies examining the functional consequence of this variant have not been published, to our knowledge. At this time, there is insufficient evidence to determine if this variant is pathogenic or benign. Therefore, we consider this a variant of uncertain significance. ACMG Criteria: PM2

NM_015231.3(NUP160):c.3891G>C (p.Lys1297Asn)

Gene: NUP160 (nucleoporin 160; minus strand). Cytogenetic location: 11p11.2.
Variant type: single nucleotide variant.
Coding change: c.3891G>C on transcript NM_015231.3 (MANE Select); coding-DNA position 3891, G replaced by C.
Protein change: p.Lys1297Asn; replaces lysine 1297 with asparagine.
Molecular consequence: missense variant. On other transcripts: non-coding transcript variant (1).
Genome position (GRCh38, 1-based): chr11:47,783,196, C>G on the plus strand (G>C on the coding strand, the complement: NUP160 is on the minus strand). VCF-style: chr11-47783196-C-G. GRCh37 (hg19) VCF-style: chr11-47804748-C-G.
Other names: short protein forms K1297N.
Identifiers: ClinVar variation 3376380 (VCV003376380.1).
Genomic context (GRCh38, chr11:47,783,196, plus strand): 5'-CACAGCTTCTTCTAAAAGGTCATAGTTTAAGTATAAACGAAGCAATTCAGCAGCATCAAC[C>G]TTCTGTGAAAAGTCAGTGATTAAGAATATGTACCTATTTCCCTCCTACTTGAGTACTGAC-3'
Protein context (NP_056046.2, residues 1287-1307): LPNWLINSYK[Lys1297Asn]VDAAELLRLY